The following is an entry in ClinVar:

ClinVar aggregate classification (germline): Conflicting classifications of pathogenicity. Review status: criteria provided, conflicting classifications (1 of 4 stars). 6 submissions from 6 submitters: Uncertain significance (1); Likely benign (5). Last evaluated 2026-01-22.

Conditions:
Hereditary cancer-predisposing syndrome. Also called: Tumor predisposition; Neoplastic Syndromes, Hereditary; Hereditary Cancer Syndrome; Hereditary neoplastic syndrome. Identifiers: Orphanet 140162, MedGen C0027672, MeSH D009386, MONDO:0015356.
Fanconi anemia complementation group J. Also called: BRIP1-Related Fanconi Anemia. Identifiers: Orphanet 84, MedGen C1836860, MONDO:0012187, OMIM 609054.
Familial cancer of breast. Also called: BREAST CANCER, FAMILIAL; hereditary breast carcinoma; Hereditary breast cancer. Identifiers: Orphanet 227535, MedGen C0346153, MONDO:0016419, OMIM 114480. Disease mechanism: loss of function.
Breast and/or ovarian cancer. Identifiers: MedGen CN221562.

Allele frequency attached by ClinVar (database versions not stated): gnomAD exomes 0.00001; TOPMed 0.00001.
gnomAD v4.1: 8 of 1,612,282 alleles (0.0005%); highest among the groups gnomAD compares: Non-Finnish European, 0.00068%; no homozygotes.

Submissions (6):

Labcorp Genetics (formerly Invitae), Labcorp
Classification: Likely benign for Familial cancer of breast; Fanconi anemia complementation group J. Last evaluated: 2026-01-22. Review status: criteria provided, single submitter. Criteria: Invitae Variant Classification Sherloc (09022015). Collection method: clinical testing. Allele origin: germline.

Myriad Genetics, Inc.
Classification: Likely benign for Familial cancer of breast. Last evaluated: 2024-09-05. Review status: criteria provided, single submitter. Criteria: Myriad Autosomal Dominant, Autosomal Recessive and X-Linked Classification Criteria (2023). Collection method: clinical testing. Allele origin: unknown.
Comment: This variant is considered likely benign. This variant is intronic and is not expected to impact mRNA splicing.

CHEO Genetics Diagnostic Laboratory, Children's Hospital of Eastern Ontario
Classification: Likely benign for Breast and/or ovarian cancer. Last evaluated: 2021-06-14. Review status: criteria provided, single submitter. Criteria: ACMG Guidelines, 2015. Collection method: clinical testing. Allele origin: germline.

GeneDx
Classification: Likely benign. Last evaluated: 2017-03-24. Review status: criteria provided, single submitter. Criteria: GeneDx Variant Classification (06012015). Collection method: clinical testing. Allele origin: germline. Affected: yes.
Comment: This variant is considered likely benign or benign based on one or more of the following criteria: it is a conservative change, it occurs at a poorly conserved position in the protein, it is predicted to be benign by multiple in silico algorithms, and/or has population frequency not consistent with disease.

Color Diagnostics, LLC DBA Color Health
Classification: Likely benign for Hereditary cancer-predisposing syndrome. Last evaluated: 2016-08-08. Review status: criteria provided, single submitter. Criteria: ACMG Guidelines, 2015. Collection method: clinical testing. Allele origin: germline.

Ambry Genetics
Classification: Uncertain significance for Hereditary cancer-predisposing syndrome. Last evaluated: 2015-01-22. Review status: criteria provided, single submitter. Criteria: Ambry Variant Classification Scheme 2023. Collection method: clinical testing. Allele origin: germline.
Comment: The c.2576-17T>C intronic alteration consists of a T to C substitution 17 nucleotides before coding exon 18 in the BRIP1 gene. Based on insufficient or conflicting evidence, the clinical significance of this alteration remains unclear.

NM_032043.3(BRIP1):c.2576-17T>C

Gene: BRIP1 (BRCA1 interacting DNA helicase 1; minus strand). Cytogenetic location: 17q23.2.
Variant type: single nucleotide variant.
Coding change: c.2576-17T>C on transcript NM_032043.3 (MANE Select); 17 bases into the intron before coding-DNA position 2576, T replaced by C.
Molecular consequence: intron variant.
Genome position (GRCh38, 1-based): chr17:61,686,182, A>G on the plus strand (T>C on the coding strand, the complement: BRIP1 is on the minus strand). VCF-style: chr17-61686182-A-G. GRCh37 (hg19) VCF-style: chr17-59763543-A-G.
Identifiers: ClinVar variation 491450 (VCV000491450.15), dbSNP rs1057517647, ClinGen allele CA658684156.